The following is an entry in ClinVar:

NM_000168.6(GLI3):c.*2117A>G

Gene: GLI3 (GLI family zinc finger 3; minus strand). Cytogenetic location: 7p14.1.
Variant type: single nucleotide variant.
Coding change: c.*2117A>G on transcript NM_000168.6 (MANE Select); 2117 bases downstream of the stop codon, A replaced by G.
Molecular consequence: 3 prime UTR variant.
Genome position (GRCh38, 1-based): chr7:41,962,213, T>C on the plus strand (A>G on the coding strand, the complement: GLI3 is on the minus strand). VCF-style: chr7-41962213-T-C. GRCh37 (hg19) VCF-style: chr7-42001811-T-C.
Identifiers: ClinVar variation 360177 (VCV000360177.5), dbSNP rs185099021, ClinGen allele CA10626082.

ClinVar aggregate classification (germline): Benign. Review status: criteria provided, single submitter (1 of 4 stars). 3 submissions from 1 submitter: Benign (3). Last evaluated 2018-01-13.

Conditions:
Pallister-Hall syndrome (PHS). Also called: HYPOTHALAMIC HAMARTOBLASTOMA, HYPOPITUITARISM, IMPERFORATE ANUS, AND POSTAXIAL POLYDACTYLY; GLI3-Related Pallister-Hall Syndrome. Identifiers: Orphanet 672, MedGen C0265220, MONDO:0007804, OMIM 146510.
Greig cephalopolysyndactyly syndrome (GCPS). Also called: POLYSYNDACTYLY WITH PECULIAR SKULL SHAPE; Greig syndrome; GLI3-Related Greig Cephalopolysyndactyly Syndrome. Identifiers: Orphanet 380, MedGen C0265306, MONDO:0008287, OMIM 175700.
Polydactyly. Also called: polydactylism. Identifiers: MedGen C0152427, MONDO:0021003, OMIM 603596, HP:0010442.

Allele frequency attached by ClinVar (database versions not stated): 1000 Genomes Project 0.00180; 1000 Genomes Project 30x 0.00219; gnomAD 0.00475 and 0.00491; TOPMed 0.00510.

Submissions (3):

Illumina Laboratory Services, Illumina
Classification: Benign for Greig cephalopolysyndactyly syndrome. Last evaluated: 2018-01-13. Review status: criteria provided, single submitter. Criteria: ICSL Variant Classification Criteria 13 December 2019. Collection method: clinical testing. Allele origin: germline.
Comment: This variant was observed in the ICSL laboratory as part of a predisposition screen in an ostensibly healthy population. It had not been previously curated by ICSL or reported in the Human Gene Mutation Database (HGMD: prior to June 1st, 2018), and was therefore a candidate for classification through an automated scoring system. Utilizing variant allele frequency, disease prevalence and penetrance estimates, and inheritance mode, an automated score was calculated to assess if this variant is too frequent to cause the disease. Based on the score and internal cut-off values, a variant classified as benign is not then subjected to further curation. The score for this variant resulted in a classification of benign for this disease.

Illumina Laboratory Services, Illumina
Classification: Benign for Polydactyly. Last evaluated: 2018-01-13. Review status: criteria provided, single submitter. Criteria: ICSL Variant Classification Criteria 13 December 2019. Collection method: clinical testing. Allele origin: germline.
Comment: the same text as in the submission from Illumina Laboratory Services, Illumina above.

Illumina Laboratory Services, Illumina
Classification: Benign for Pallister-Hall syndrome. Last evaluated: 2018-01-13. Review status: criteria provided, single submitter. Criteria: ICSL Variant Classification Criteria 13 December 2019. Collection method: clinical testing. Allele origin: germline.
Comment: the same text as in the submission from Illumina Laboratory Services, Illumina above.